The following is an entry in ClinVar:

NM_005911.6(MAT2A):c.941T>C (p.Val314Ala)

Genes: GGCX (gamma-glutamyl carboxylase; minus strand), MAT2A (methionine adenosyltransferase 2A; plus strand). Cytogenetic location: 2p11.2.
Variant type: single nucleotide variant.
Coding change: c.941T>C on transcript NM_005911.6 (MANE Select); coding-DNA position 941, T replaced by C.
Protein change: p.Val314Ala; replaces valine 314 with alanine.
Molecular consequence: missense variant.
Genome position (GRCh38, 1-based): chr2:85,542,737, T>C. VCF-style: chr2-85542737-T-C. GRCh37 (hg19) VCF-style: chr2-85769860-T-C.
Other names: short protein forms V314A.
Identifiers: ClinVar variation 4742506 (VCV004742506.1).

ClinVar aggregate classification (germline): Uncertain significance (1 of 4 stars; one submission).

Conditions:
Familial thoracic aortic aneurysm and aortic dissection (TAAD). Also called: Thoracic aortic aneurysms and dissections. Identifiers: Orphanet 91387, MedGen C4707243, MONDO:0019625.

gnomAD v4.1: 1 of 1,611,204 alleles (0.000062%); highest among the groups gnomAD compares: East Asian, 0.0022%; no homozygotes.

Submission:

Labcorp Genetics (formerly Invitae), Labcorp
Classification: Uncertain significance for Familial thoracic aortic aneurysm and aortic dissection. Last evaluated: 2025-09-16. Review status: criteria provided, single submitter. Criteria: Invitae Variant Classification Sherloc (09022015). Collection method: clinical testing. Allele origin: germline.
Comment: This sequence change replaces valine, which is neutral and non-polar, with alanine, which is neutral and non-polar, at codon 314 of the MAT2A protein (p.Val314Ala). This variant is present in population databases (no rsID available, gnomAD 0.006%). This variant has not been reported in the literature in individuals affected with MAT2A-related conditions. Invitae Evidence Modeling of protein sequence and biophysical properties (such as structural, functional, and spatial information, amino acid conservation, physicochemical variation, residue mobility, and thermodynamic stability) indicates that this missense variant is not expected to disrupt MAT2A protein function with a negative predictive value of 80%. In summary, the available evidence is currently insufficient to determine the role of this variant in disease. Therefore, it has been classified as a Variant of Uncertain Significance.